The following is an entry in ClinVar:

ClinVar aggregate classification (germline): Uncertain significance (1 of 4 stars; one submission).

Conditions:
EP300-related disorder. Also called: EP300-related disorders; EP300-related condition.

gnomAD v4.1: 8 of 1,613,998 alleles (0.0005%); highest among the groups gnomAD compares: South Asian, 0.0022%; no homozygotes.

Submission:

PreventionGenetics, part of Exact Sciences
Classification: Uncertain significance for EP300-related condition. Last evaluated: 2026-09-21. Review status: criteria provided, single submitter. Criteria: ACMG Guidelines, 2015. Collection method: clinical testing. Allele origin: germline.
Comment: The EP300 c.3107A>G variant is predicted to result in the amino acid substitution p.Gln1036Arg. This variant was reported in an individual with hypoplastic left heart syndrome (HLHS) in a genomic analysis of congenital heart disease (Extended Data Table 4, Sierant et al. 2025. PubMed ID: 40127276). This variant is reported in 0.0033% of alleles in individuals of South Asian descent in gnomAD. At this time, the clinical significance of this variant is uncertain due to the absence of conclusive functional and genetic evidence.

NM_001429.4(EP300):c.3107A>G (p.Gln1036Arg)

Genes: EP300 (EP300 lysine acetyltransferase; plus strand), LOC126863158 (BRD4-independent group 4 enhancer GRCh37_chr22:41547383-41548582; plus strand). Cytogenetic location: 22q13.2.
Variant type: single nucleotide variant.
Coding change: c.3107A>G on transcript NM_001429.4 (MANE Select); coding-DNA position 3107, A replaced by G.
Protein change: p.Gln1036Arg; replaces glutamine 1036 with arginine.
Molecular consequence: missense variant.
Genome position (GRCh38, 1-based): chr22:41,152,315, A>G. VCF-style: chr22-41152315-A-G. GRCh37 (hg19) VCF-style: chr22-41548319-A-G.
Other names: c.3029A>G, p.Gln1010Arg (NM_001362843.2); short protein forms Q1010R, Q1036R.
Identifiers: ClinVar variation 4977617 (VCV004977617.1).